The following is an entry in ClinVar:

NM_005219.5(DIAPH1):c.1230C>T (p.Phe410=)

Gene: DIAPH1 (diaphanous related formin 1; minus strand). Cytogenetic location: 5q31.3.
Variant type: single nucleotide variant.
Coding change: c.1230C>T on transcript NM_005219.5 (MANE Select); coding-DNA position 1230, C replaced by T.
Protein change: p.Phe410=; no amino-acid change (phenylalanine 410 retained).
Molecular consequence: synonymous variant.
Genome position (GRCh38, 1-based): chr5:141,577,525, G>A on the plus strand (C>T on the coding strand, the complement: DIAPH1 is on the minus strand). VCF-style: chr5-141577525-G-A. GRCh37 (hg19) VCF-style: chr5-140957092-G-A.
Other names: c.1203C>T, p.Phe401= (NM_001079812.3); c.1230C>T, p.Phe410= (NM_001314007.2).
Identifiers: ClinVar variation 2926533 (VCV002926533.3), dbSNP rs916593815, ClinGen allele CA446892885.

ClinVar aggregate classification (germline): Uncertain significance (1 of 4 stars; one submission).

Conditions:
Autosomal dominant nonsyndromic hearing loss 1. Also called: KONIGSMARK SYNDROME; DEAFNESS, AUTOSOMAL DOMINANT 1, WITH OR WITHOUT THROMBOCYTOPENIA. Identifiers: Orphanet 90635, MedGen C1852282, MONDO:0007424, OMIM 124900.
Progressive microcephaly-seizures-cortical blindness-developmental delay syndrome. Also called: Seizures, cortical blindness, and microcephaly syndrome. Identifiers: Orphanet 477814, MedGen C5567650, MONDO:0014714, OMIM 616632.

Allele frequency attached by ClinVar (database versions not stated): gnomAD exomes below 0.00001.
gnomAD v4.1: 1 of 1,614,030 alleles (0.000062%); highest among the groups gnomAD compares: Non-Finnish European, 0.000085%; no homozygotes.

Submission:

Labcorp Genetics (formerly Invitae), Labcorp
Classification: Uncertain significance for Progressive microcephaly-seizures-cortical blindness-developmental delay syndrome; Autosomal dominant nonsyndromic hearing loss 1. Last evaluated: 2024-03-22. Review status: criteria provided, single submitter. Criteria: Invitae Variant Classification Sherloc (09022015). Collection method: clinical testing. Allele origin: germline.
Comment: This sequence change affects codon 410 of the DIAPH1 mRNA. It is a 'silent' change, meaning that it does not change the encoded amino acid sequence of the DIAPH1 protein. This variant is not present in population databases (gnomAD no frequency). This variant has not been reported in the literature in individuals affected with DIAPH1-related conditions. Algorithms developed to predict the effect of sequence changes on RNA splicing suggest that this variant may disrupt the consensus splice site. In summary, the available evidence is currently insufficient to determine the role of this variant in disease. Therefore, it has been classified as a Variant of Uncertain Significance.